The following is an entry in ClinVar:

NM_001174147.2(LMX1B):c.737G>A (p.Arg246Gln)

Gene: LMX1B (LIM homeobox transcription factor 1 beta; plus strand). Cytogenetic location: 9q33.3.
Variant type: single nucleotide variant.
Coding change: c.737G>A on transcript NM_001174147.2 (MANE Select); coding-DNA position 737, G replaced by A.
Protein change: p.Arg246Gln; replaces arginine 246 with glutamine.
Molecular consequence: missense variant.
Genome position (GRCh38, 1-based): chr9:126,693,319, G>A. VCF-style: chr9-126693319-G-A. GRCh37 (hg19) VCF-style: chr9-129455598-G-A.
Other names: c.737G>A, p.Arg246Gln (NM_001174146.2, NM_002316.4); short protein forms R246Q.
Identifiers: ClinVar variation 498798 (VCV000498798.34), dbSNP rs1191455921, ClinGen allele CA500006.

ClinVar aggregate classification (germline): Pathogenic. Review status: criteria provided, multiple submitters, no conflicts (2 of 4 stars). 16 submissions from 16 submitters: Pathogenic (11). 5 of the submissions do not count toward it. Last evaluated 2025-06-18.

Conditions:
Nail-patella-like renal disease. Also called: Focal Segmental Glomerulosclerosis 10; GLOMERULAR BASEMENT MEMBRANE DISEASE, NAIL-PATELLA SYNDROME TYPE. Identifiers: Orphanet 2613, MedGen C0403548, MONDO:0009724, OMIM 256020.
Nail-patella syndrome (NPS). Also called: ONYCHOOSTEODYSPLASIA; TURNER-KIESER SYNDROME; FONG DISEASE. Identifiers: Orphanet 2614, MedGen C0027341, MONDO:0008061, OMIM 161200.
LMX1B-related disorder. Also called: LMX1B-related condition.
Nephrotic syndrome. Identifiers: MedGen C0027726, MONDO:0005377, HP:0000100.
Inherited focal segmental glomerulosclerosis. Identifiers: MedGen CN327126, MONDO:0005363.

Submissions (16):

Genetic Services Laboratory, University of Chicago
Classification: Pathogenic. Last evaluated: 2025-06-18. Review status: criteria provided, single submitter. Criteria: ACMG Guidelines, 2015. Collection method: clinical testing. Allele origin: germline.
Comment: The c.737G>A variant: Results in an amino acid change, p.Arg246Gln. Affects a highly conserved amino acid residue located in a domain of the LMX1B protein that is known to be functional. Has been previously described in several individuals with FSGS and appears to segregate with disease in several of these families (PMID: 23687361, 24042019, 28059119, 32791958, 32356190, 33532864). Has been demonstrated by functional analyses to impair transcriptional activity suggesting the variant may have a dominant-negative effect (PMID: 24042019, 28059119). Appears to have contradictory results by in-silico pathogenicity prediction tools. Has not been described in population databases such as gnomAD v4. Occurs in a region of the LMX1B gene where other missense sequence changes have been described in individuals with LMX1B-related disorders. ClinVar contains an entry for this variant (Variation ID: 498798). Collectively, this evidence indicates that this variant is pathogenic

Genomic Medicine Center of Excellence, King Faisal Specialist Hospital and Research Centre
Classification: Pathogenic for Nail-patella syndrome. Last evaluated: 2024-03-14. Review status: criteria provided, single submitter. Criteria: ACMG Guidelines, 2015. Collection method: clinical testing. Allele origin: germline.

Fulgent Genetics
Classification: Pathogenic for Nail-patella syndrome; Nail-patella-like renal disease. Last evaluated: 2024-03-09. Review status: criteria provided, single submitter. Criteria: ACMG Guidelines, 2015. Collection method: clinical testing. Allele origin: germline.

Clinical Genetics Laboratory, Skane University Hospital Lund
Classification: Pathogenic. Last evaluated: 2023-09-06. Review status: criteria provided, single submitter. Criteria: ACMG Guidelines, 2015. Collection method: clinical testing. Allele origin: germline. Affected: yes.

Molecular Genetics, Royal Melbourne Hospital
Classification: Pathogenic for Inherited focal segmental glomerulosclerosis. Last evaluated: 2023-03-02. Review status: criteria provided, single submitter. Criteria: ACMG Guidelines, 2015. Collection method: clinical testing. Allele origin: germline. Affected: yes.
Comment: This sequence change in LMX1B is predicted to replace arginine with glutamine at codon 246, p.(Arg246Gln). The arginine residue is highly conserved (100 vertebrates, UCSC), and is located in the homeobox domain. There is a small physicochemical difference between arginine and glutamine. This variant is absent from the population database gnomAD v2.1 and v3.1. This variant has been reported in probands/families with focal segmental glomerulosclerosis without extrarenal involvement or unspecified glomerulopathy, including at least one individual where the variant was identified as a de novo occurrence with unconfirmed parental relationships. It also segregates with kidney disease in multiple families (PMID: 23687361, 24042019, 28059119, 32791958, 32356190, 33532864). In vitro assays of LMX1B transcriptional activity in mammalian cell lines showed partially impaired transcriptional activity suggesting the variant may have dominant negative and haploinsufficiency effects (PMID: 24042019, 28059119). Multiple lines of computational evidence predict a deleterious effect for the missense substitution (5/6 algorithms). Based on the classification scheme RMH Modified ACMG Guidelines v1.5.1, this variant is classified as PATHOGENIC. Following criteria are met: PP1_Strong, PS4_Moderate, PM6, PS3_Supporting, PM2_Supporting, PP3.

GeneDx
Classification: Pathogenic. Last evaluated: 2023-02-23. Review status: criteria provided, single submitter. Criteria: GeneDx Variant Classification Process June 2021. Collection method: clinical testing. Allele origin: germline. Affected: yes.
Comment: Published functional studies demonstrate this variant partially impairs transcriptional activity, indicating haploinsufficiency (Isojima et al., 2014); Not observed at significant frequency in large population cohorts (gnomAD); In silico analysis supports that this missense variant has a deleterious effect on protein structure/function; This variant is associated with the following publications: (PMID: 26560070, 28059119, 31328266, 24042019, 32791958, 33725694, 32356190, 32774956, 23891399, 28844315, 29246420, 28780565, 27450397, 30295827, 30647093, 29127259, 23687361, 28204945)

Blueprint Genetics
Classification: Pathogenic for LMX1B-related disorders. Last evaluated: 2022-11-19. Review status: criteria provided, single submitter. Criteria: ACMG Guidelines, 2015. Collection method: clinical testing. Allele origin: germline. Affected: yes. Observed: 5 variant alleles.

Labcorp Genetics (formerly Invitae), Labcorp
Classification: Pathogenic. Last evaluated: 2022-11-10. Review status: criteria provided, single submitter. Criteria: Invitae Variant Classification Sherloc (09022015). Collection method: clinical testing. Allele origin: germline.
Comment: Experimental studies have shown that this missense change affects LMX1B function (PMID: 24042019, 28059119). For these reasons, this variant has been classified as Pathogenic. This sequence change replaces arginine, which is basic and polar, with glutamine, which is neutral and polar, at codon 246 of the LMX1B protein (p.Arg246Gln). This variant is not present in population databases (gnomAD no frequency). This missense change has been observed in individuals with focal segmental glomerulosclerosis (PMID: 23687361, 26560070, 28059119). It has also been observed to segregate with disease in related individuals. ClinVar contains an entry for this variant (Variation ID: 498798). Advanced modeling of protein sequence and biophysical properties (such as structural, functional, and spatial information, amino acid conservation, physicochemical variation, residue mobility, and thermodynamic stability) performed at Invitae indicates that this missense variant is expected to disrupt LMX1B protein function.

3billion
Classification: Pathogenic for Nail-patella syndrome. Last evaluated: 2022-01-03. Review status: criteria provided, single submitter. Criteria: ACMG Guidelines, 2015. Collection method: clinical testing. Allele origin: germline. Affected: yes. Observed: 1 heterozygote.
Comment: Same nucleotide change resulting in same amino acid change has been previously reported as pathogenic/likely pathogenic with strong evidence (ClinVar ID: VCV000498798, PS1_S). Functional studies provide strong evidence of the variant having a damaging effect on the gene or gene product (, PS3_S). A different missense change at the same codon has been reported to be associated with LMX1B related disorder (ClinVar ID: VCV000812901, PM5_P). In silico tool predictions suggest damaging effect of the variant on gene or gene product (REVEL: 0.908, 3CNET: 0.933, PP3_P). It is observed at an extremely low frequency in the gnomAD v2.1.1 dataset (total allele frequency: 0.000000, PM2_M). The variant is located in a well-established functional domain or exonic hotspot, where pathogenic variants have frequently reported (PM1_M). Therefore, this variant is classified as pathogenic according to the recommendation of ACMG/AMP guideline.

Molecular Biology Laboratory, Fundació Puigvert
Classification: Pathogenic for Nail-patella syndrome. Last evaluated: 2020-02-01. Review status: criteria provided, single submitter. Criteria: ACMG Guidelines, 2015. Collection method: research. Allele origin: de novo. Affected: yes. Study: KidneyPanel_2020.

Eurofins Ntd Llc (ga)
Classification: Pathogenic. Last evaluated: 2017-01-04. Review status: criteria provided, single submitter. Criteria: EGL Classification Definitions 2015. Collection method: clinical testing. Allele origin: germline. Observed: 1 variant allele, 1 heterozygote.

PreventionGenetics, part of Exact Sciences
Classification: Pathogenic for LMX1B-related condition. Last evaluated: 2024-02-07. Review status: no assertion criteria provided. Collection method: clinical testing. Allele origin: germline. Not counted in ClinVar's aggregate classification.
Comment: The LMX1B c.737G>A variant is predicted to result in the amino acid substitution p.Arg246Gln. This variant has been repeatedly reported to be causative for LMX1B-related glomerulopathy (see for example, reported as de novo at Supplementary Table 2 of Domingo-Gallego et al. 2021. PubMed ID: 33532864; Boyer et al. 2013. PubMed ID: 23687361; Isojima et al. 2014. PubMed ID: 24042019; Konomoto et al. 2016. PubMed ID: 26560070; Hall et al. 2017. PubMed ID: 28059119). This variant has not been reported in a large population database, indicating this variant is rare. This variant is interpreted as pathogenic.

OMIM
Classification: Pathogenic for FOCAL SEGMENTAL GLOMERULOSCLEROSIS 10. Last evaluated: 2022-09-21. Review status: no assertion criteria provided. Collection method: literature only. Allele origin: germline. Not counted in ClinVar's aggregate classification.

Yale Center for Mendelian Genomics, Yale University
Classification: Likely pathogenic for Nephrotic syndrome. Last evaluated: 2017-11-10. Review status: no assertion criteria provided. Collection method: literature only. Allele origin: germline. Affected: yes. Observed: 1 heterozygote, 1 homozygote. Study: Yale Center for Mendelian Genomics. Not counted in ClinVar's aggregate classification.

Sydney Genome Diagnostics, Children's Hospital Westmead
Classification: Pathogenic for Nephrotic syndrome. Last evaluated: 2014-04-18. Review status: no assertion criteria provided. Collection method: clinical testing. Allele origin: unknown. Affected: yes. Observed: 1 variant allele, 1 heterozygote. Not counted in ClinVar's aggregate classification.
Comment: This variant is located in the homeobox domain of the LMX1B gene and occurs in a highly conserved amino acid residue. Originally described in a patient with nail patella syndrome (NPS) (OMIM# 602575); however, more recent reports have described this variant in multiple families with glomerular pathologies, including isolated FSGS, Nail-Patella-like Renal Disease (NPLRD) and Steroid resistant nephrotic syndrome (Boyer et al, J Am Soc Nephrol 24 (2013): 1216-1222; Hall et al, Sci Rep (2017) 7:39933). This variant is considered to be pathogenic according to the ACMG guidelines.

Department of Traditional Chinese Medicine, Fujian Provincial Hospital
Classification: Pathogenic for Nail-patella-like renal disease. Review status: no assertion criteria provided. Collection method: research. Allele origin: paternal. Not counted in ClinVar's aggregate classification.

Literature cited by the submitters: PubMed 23687361 (cited by 4 submitters); PubMed 24042019 (cited by 5 submitters); PubMed 28059119 (cited by 3 submitters); PubMed 32356190 (cited by Molecular Genetics, Royal Melbourne Hospital and OMIM); PubMed 32791958 (cited by Molecular Genetics, Royal Melbourne Hospital and OMIM); PubMed 33532864 (cited by 3 submitters); PubMed 26560070 (cited by Labcorp Genetics (formerly Invitae), Labcorp and Eurofins Ntd Llc (ga)); PubMed 29127259 (cited by Yale Center for Mendelian Genomics, Yale University).